The following is an entry in ClinVar:

NM_013251.4(TAC3):c.99C>T (p.Gly33=)

Gene: TAC3 (tachykinin precursor 3; minus strand). Cytogenetic location: 12q13.3.
Variant type: single nucleotide variant.
Coding change: c.99C>T on transcript NM_013251.4 (MANE Select); coding-DNA position 99, C replaced by T.
Protein change: p.Gly33=; no amino-acid change (glycine 33 retained).
Molecular consequence: synonymous variant. On other transcripts: non-coding transcript variant (4).
Genome position (GRCh38, 1-based): chr12:57,015,699, G>A on the plus strand (C>T on the coding strand, the complement: TAC3 is on the minus strand). VCF-style: chr12-57015699-G-A. GRCh37 (hg19) VCF-style: chr12-57409483-G-A.
Other names: c.99C>T, p.Gly33= (NM_001178054.2).
Identifiers: ClinVar variation 3351583 (VCV003351583.1).

ClinVar aggregate classification (germline): Likely benign (0 of 4 stars; one submission).

Conditions:
TAC3-related disorder. Also called: TAC3-related condition.

gnomAD v4.1: 95 of 1,613,726 alleles (0.0059%); highest among the groups gnomAD compares: Non-Finnish European, 0.0073%; no homozygotes.

Submission:

PreventionGenetics, part of Exact Sciences
Classification: Likely benign for TAC3-related condition. Last evaluated: 2024-03-20. Review status: no assertion criteria provided. Collection method: clinical testing. Allele origin: germline.
Comment: This variant is classified as likely benign based on ACMG/AMP sequence variant interpretation guidelines (Richards et al. 2015 PMID: 25741868, with internal and published modifications).